The following is an entry in ClinVar:

NM_001040108.2(MLH3):c.1980C>A (p.Ser660Arg)

Gene: MLH3 (mutL homolog 3; minus strand). Cytogenetic location: 14q24.3.
Variant type: single nucleotide variant.
Coding change: c.1980C>A on transcript NM_001040108.2 (MANE Select); coding-DNA position 1980, C replaced by A.
Protein change: p.Ser660Arg; replaces serine 660 with arginine.
Molecular consequence: missense variant.
Genome position (GRCh38, 1-based): chr14:75,047,676, G>T on the plus strand (C>A on the coding strand, the complement: MLH3 is on the minus strand). VCF-style: chr14-75047676-G-T. GRCh37 (hg19) VCF-style: chr14-75514379-G-T.
Other names: c.1980C>A, p.Ser660Arg (NM_014381.3); short protein forms S660R.
Identifiers: ClinVar variation 1783794 (VCV001783794.3), dbSNP rs758562185, ClinGen allele CA390443534.

ClinVar aggregate classification (germline): Uncertain significance (1 of 4 stars; one submission).

Submission:

Ambry Genetics
Classification: Uncertain significance. Last evaluated: 2024-09-02. Review status: criteria provided, single submitter. Criteria: Ambry Variant Classification Scheme 2023. Collection method: clinical testing. Allele origin: germline.
Comment: The p.S660R variant (also known as c.1980C>A), located in coding exon 1 of the MLH3 gene, results from a C to A substitution at nucleotide position 1980. The serine at codon 660 is replaced by arginine, an amino acid with dissimilar properties. This amino acid position is conserved. In addition, this alteration is predicted to be tolerated by in silico analysis. Since supporting evidence is limited at this time, the clinical significance of this alteration remains unclear.